The following is an entry in ClinVar:

ClinVar aggregate classification (germline): Uncertain significance (1 of 4 stars; one submission).

Submission:

GeneDx
Classification: Uncertain significance. Last evaluated: 2022-06-09. Review status: criteria provided, single submitter. Criteria: GeneDx Variant Classification Process June 2021. Collection method: clinical testing. Allele origin: germline. Affected: yes.
Comment: Not observed at significant frequency in large population cohorts (gnomAD); In silico analysis supports that this missense variant has a deleterious effect on protein structure/function; Has not been previously published as pathogenic or benign to our knowledge

NM_001353345.2(SETD1B):c.4541C>T (p.Pro1514Leu)

Gene: SETD1B (SET domain containing 1B, histone lysine methyltransferase; plus strand). Cytogenetic location: 12q24.31.
Variant type: single nucleotide variant.
Coding change: c.4541C>T on transcript NM_001353345.2 (MANE Select); coding-DNA position 4541, C replaced by T.
Protein change: p.Pro1514Leu; replaces proline 1514 with leucine.
Molecular consequence: missense variant.
Genome position (GRCh38, 1-based): chr12:121,823,120, C>T. VCF-style: chr12-121823120-C-T. GRCh37 (hg19) VCF-style: chr12-122261026-C-T.
Other names: short protein forms P1514L.
Identifiers: ClinVar variation 1803365 (VCV001803365.1), dbSNP rs2500235061, ClinGen allele CA386999212.
Genomic context (GRCh38, chr12:121,823,120, plus strand): 5'-CTCGTGCGCCCACCCCGCTGCCACCCCTGCTGCCCGCCCCCCTGGCCTCTTGCCCTCCCC[C>T]AATGAAGAGGAAGCCGGGCCGGCCCCGGCGATCCCCACCATCTATGCTCTCCTTGGATGG-3'
Protein context (NP_001340274.1, residues 1504-1524): LPAPLASCPP[Pro1514Leu]MKRKPGRPRR